The following is an entry in ClinVar:

ClinVar aggregate classification (germline): Likely benign (1 of 4 stars; one submission).

Submission:

CeGaT Center for Human Genetics Tuebingen
Classification: Likely benign. Last evaluated: 2026-04-01. Review status: criteria provided, single submitter. Criteria: CeGaT Center For Human Genetics Tuebingen Variant Classification Criteria Version 2. Collection method: clinical testing. Allele origin: germline. Affected: yes. Observed: 1 variant allele.
Comment: PAX7: PM2:Supporting, BP4, BP7

NM_001135254.2(PAX7):c.1026G>C (p.Ala342=)

Gene: PAX7 (paired box 7; plus strand). Cytogenetic location: 1p36.13.
Variant type: single nucleotide variant.
Coding change: c.1026G>C on transcript NM_001135254.2 (MANE Select); coding-DNA position 1026, G replaced by C.
Protein change: p.Ala342=; no amino-acid change (alanine 342 retained).
Molecular consequence: synonymous variant.
Genome position (GRCh38, 1-based): chr1:18,703,167, G>C. VCF-style: chr1-18703167-G-C. GRCh37 (hg19) VCF-style: chr1-19029661-G-C.
Other names: c.1026G>C, p.Ala342= (NM_002584.3); c.1020G>C, p.Ala340= (NM_013945.3).
Identifiers: ClinVar variation 4872968 (VCV004872968.2).
Genomic context (GRCh38, chr1:18,703,167, plus strand): 5'-TGTGCACCGGCCTCAGCCCCTGCCACCGTCCACCATGCACCAGGGCGGGCTGGCTGCAGC[G>C]GCTGCAGCCGCCGACACCAGCTCTGCCTACGGAGCCCGCCACAGCTTCTCCAGCTACTCT-3'
Protein context (NP_001128726.1, residues 332-352): STMHQGGLAA[Ala342=]AAAADTSSAY